The following is an entry in ClinVar:

ClinVar aggregate classification (germline): Likely pathogenic (1 of 4 stars; one submission).

Conditions:
Glycogen storage disease, type II (IOPD). Also called: CARDIOMEGALIA GLYCOGENICA DIFFUSA; POMPE DISEASE, INFANTILE-ONSET; GLYCOGEN STORAGE DISEASE II, INFANTILE-ONSET; ACID ALPHA-GLUCOSIDASE DEFICIENCY, INFANTILE-ONSET; GAA DEFICIENCY, INFANTILE-ONSET; ACID MALTASE DEFICIENCY, INFANTILE-ONSET. Identifiers: Orphanet 365, MedGen C0017921, MONDO:0009290, OMIM 232300.

Submission:

Neuberg Centre For Genomic Medicine, NCGM
Classification: Likely pathogenic for Glycogen storage disease, type II. Last evaluated: 2023-06-02. Review status: criteria provided, single submitter. Criteria: ACMG Guidelines, 2015. Collection method: clinical testing. Allele origin: germline. Inheritance: Autosomal recessive inheritance. Affected: yes.
Comment: The deletion insertion c.1111_1115delTTCCAinsCCACTGGGG (p.Phe371ProfsTer136) variant in the GAA gene has not been reported previously as a pathogenic variant nor as a benign variant, to our knowledge. This variant is absent in the gnomAD Exomes.This variant causes a frameshift starting with codon Phenylalanine 371, changes this amino acid to Proline residue, and creates a premature Stop codon at position 134 of the new reading frame, denoted p.Phe371ProfsTer134. For these reasons, this variant has been classified as Likely Pathogenic.

NM_000152.5(GAA):c.1111_1115delinsCCACTGGGG (p.Phe371fs)

Gene: GAA (alpha glucosidase; plus strand). Cytogenetic location: 17q25.3.
Variant type: Indel.
Coding change: c.1111_1115delinsCCACTGGGG on transcript NM_000152.5 (MANE Select); coding-DNA positions 1111 to 1115, TTCCA replaced by CCACTGGGG.
Protein change: p.Phe371fs; shifts the reading frame from phenylalanine 371.
Molecular consequence: frameshift variant.
Genome position (GRCh38, 1-based): chr17:80,108,524-80,108,528, TTCCA replaced by CCACTGGGG. VCF-style: chr17-80108524-TTCCA-CCACTGGGG. GRCh37 (hg19) VCF-style: chr17-78082323-TTCCA-CCACTGGGG.
Other names: c.1111_1115delinsCCACTGGGG, p.Phe371fs (NM_001079803.3, NM_001079804.3, NM_001406741.1 and 1 more transcripts); c.1111_1115delTTCCAinsCCACTGGGG (NM_000152.5); short protein forms F371fs.
Identifiers: ClinVar variation 3362299 (VCV003362299.3).